The following is an entry in ClinVar:

ClinVar aggregate classification (germline): Uncertain significance (1 of 4 stars; one submission).

Conditions:
Periodic fever-infantile enterocolitis-autoinflammatory syndrome. Also called: Autoinflammation with infantile enterocolitis. Identifiers: Orphanet 436166, MedGen C4015067, MONDO:0014472, OMIM 616050.
Familial cold autoinflammatory syndrome 4 (FCAS4). Identifiers: Orphanet 47045, Orphanet 576349, MedGen C4015276, MONDO:0014498, OMIM 616115.

Allele frequency attached by ClinVar (database versions not stated): gnomAD 0.00002 and 0.00001; gnomAD exomes 0.00001; TOPMed 0.00001.
gnomAD v4.1: 17 of 1,614,012 alleles (0.0011%); highest among the groups gnomAD compares: African/African-American, 0.0027%; no homozygotes.

Submission:

Labcorp Genetics (formerly Invitae), Labcorp
Classification: Uncertain significance for Periodic fever-infantile enterocolitis-autoinflammatory syndrome; Familial cold autoinflammatory syndrome 4. Last evaluated: 2022-04-28. Review status: criteria provided, single submitter. Criteria: Invitae Variant Classification Sherloc (09022015). Collection method: clinical testing. Allele origin: germline.
Comment: In summary, the available evidence is currently insufficient to determine the role of this variant in disease. Therefore, it has been classified as a Variant of Uncertain Significance. Algorithms developed to predict the effect of missense changes on protein structure and function are either unavailable or do not agree on the potential impact of this missense change (SIFT: "Deleterious"; PolyPhen-2: "Possibly Damaging"; Align-GVGD: "Class C0"). ClinVar contains an entry for this variant (Variation ID: 938085). This variant has not been reported in the literature in individuals affected with NLRC4-related conditions. This variant is present in population databases (no rsID available, gnomAD 0.004%). This sequence change replaces arginine, which is basic and polar, with glutamine, which is neutral and polar, at codon 288 of the NLRC4 protein (p.Arg288Gln).

NM_001199138.2(NLRC4):c.863G>A (p.Arg288Gln)

Gene: NLRC4 (NLR family CARD domain containing 4; minus strand). Cytogenetic location: 2p22.3.
Variant type: single nucleotide variant.
Coding change: c.863G>A on transcript NM_001199138.2 (MANE Select); coding-DNA position 863, G replaced by A.
Protein change: p.Arg288Gln; replaces arginine 288 with glutamine.
Molecular consequence: missense variant. On other transcripts: intron variant (1).
Genome position (GRCh38, 1-based): chr2:32,251,001, C>T on the plus strand (G>A on the coding strand, the complement: NLRC4 is on the minus strand). VCF-style: chr2-32251001-C-T. GRCh37 (hg19) VCF-style: chr2-32476070-C-T.
Other names: c.863G>A, p.Arg288Gln (NM_001199139.2, NM_021209.5); c.262+1418G>A (NM_001302504.1); short protein forms R288Q.
Identifiers: ClinVar variation 938085 (VCV000938085.7), dbSNP rs1453937196, ClinGen allele CA346514092.